The following is an entry in ClinVar:

ClinVar aggregate classification (germline): Likely benign (1 of 4 stars; one submission).

Allele frequency attached by ClinVar (database versions not stated): 1000 Genomes Project 0.00040; 1000 Genomes Project 30x 0.00047; gnomAD 0.00064; ExAC 0.00101; gnomAD exomes 0.00102; ESP Exome Variant Server 0.00125.
gnomAD v4.1: 1,573 of 1,589,046 alleles (0.099%); highest among the groups gnomAD compares: Middle Eastern, 0.17%; 159 homozygotes.

Submission:

CeGaT Center for Human Genetics Tuebingen
Classification: Likely benign. Last evaluated: 2023-07-01. Review status: criteria provided, single submitter. Criteria: CeGaT Center For Human Genetics Tuebingen Variant Classification Criteria Version 2. Collection method: clinical testing. Allele origin: germline. Affected: yes. Observed: 1 variant allele.
Comment: AHNAK2: BP4, BP7, BS2

NM_138420.4(AHNAK2):c.5820G>A (p.Ala1940=)

Gene: AHNAK2 (AHNAK nucleoprotein 2; minus strand). Cytogenetic location: 14q32.33.
Variant type: single nucleotide variant.
Coding change: c.5820G>A on transcript NM_138420.4 (MANE Select); coding-DNA position 5820, G replaced by A.
Protein change: p.Ala1940=; no amino-acid change (alanine 1940 retained).
Molecular consequence: synonymous variant.
Genome position (GRCh38, 1-based): chr14:104,949,631, C>T on the plus strand (G>A on the coding strand, the complement: AHNAK2 is on the minus strand). VCF-style: chr14-104949631-C-T. GRCh37 (hg19) VCF-style: chr14-105415968-C-T.
Other names: c.5520G>A, p.Ala1840= (NM_001350929.2).
Identifiers: ClinVar variation 2644775 (VCV002644775.24), dbSNP rs199585056, ClinGen allele CA7381503.